The following is an entry in ClinVar:

NM_000218.3(KCNQ1):c.1867A>G (p.Ser623Gly)

Genes: KCNQ1 (potassium voltage-gated channel subfamily Q member 1; plus strand), KCNQ1-AS1 (KCNQ1 antisense RNA 1; minus strand). Cytogenetic location: 11p15.4.
Variant type: single nucleotide variant.
Coding change: c.1867A>G on transcript NM_000218.3 (MANE Select); coding-DNA position 1867, A replaced by G.
Protein change: p.Ser623Gly; replaces serine 623 with glycine.
Molecular consequence: missense variant.
Genome position (GRCh38, 1-based): chr11:2,847,839, A>G. VCF-style: chr11-2847839-A-G. GRCh37 (hg19) VCF-style: chr11-2869069-A-G.
Other names: c.1771A>G, p.Ser591Gly (NM_001406836.1); c.1597A>G, p.Ser533Gly (NM_001406837.1); c.1327A>G, p.Ser443Gly (NM_001406838.1); c.379A>G, p.Ser127Gly (NM_001406839.1); c.1486A>G, p.Ser496Gly (NM_181798.2); short protein forms S496G, S591G, S623G, S443G, S127G, S533G.
Identifiers: ClinVar variation 2846311 (VCV002846311.3), dbSNP rs2494326175, ClinGen allele CA379140326.
Genomic context (GRCh38, chr11:2,847,839, plus strand): 5'-GACCAGAGGCTGGCACTCATCACCGACATGCTTCACCAGCTGCTCTCCTTGCACGGTGGC[A>G]GCACCCCCGGCAGCGGCGGCCCCCCCAGAGAGGGCGGGGCCCACATCACCCAGCCCTGCG-3'
Protein context (NP_000209.2, residues 613-633): LHQLLSLHGG[Ser623Gly]TPGSGGPPRE

ClinVar aggregate classification (germline): Uncertain significance (1 of 4 stars; one submission).

Conditions:
Long QT syndrome (LQTS). Identifiers: MedGen C0023976, MeSH D008133, MONDO:0002442. Disease mechanism: loss of function. Inheritance: Various modes of inheritance.

Submission:

Labcorp Genetics (formerly Invitae), Labcorp
Classification: Uncertain significance for Long QT syndrome. Last evaluated: 2023-03-16. Review status: criteria provided, single submitter. Criteria: Invitae Variant Classification Sherloc (09022015). Collection method: clinical testing. Allele origin: germline.
Comment: In summary, the available evidence is currently insufficient to determine the role of this variant in disease. Therefore, it has been classified as a Variant of Uncertain Significance. Advanced modeling of protein sequence and biophysical properties (such as structural, functional, and spatial information, amino acid conservation, physicochemical variation, residue mobility, and thermodynamic stability) performed at Invitae indicates that this missense variant is not expected to disrupt KCNQ1 protein function. This variant has not been reported in the literature in individuals affected with KCNQ1-related conditions. This variant is not present in population databases (gnomAD no frequency). This sequence change replaces serine, which is neutral and polar, with glycine, which is neutral and non-polar, at codon 623 of the KCNQ1 protein (p.Ser623Gly).